The following is an entry in ClinVar:

NM_002529.4(NTRK1):c.2339G>A (p.Arg780Gln)

Gene: NTRK1 (neurotrophic receptor tyrosine kinase 1; plus strand). Cytogenetic location: 1q23.1.
Variant type: single nucleotide variant.
Coding change: c.2339G>A on transcript NM_002529.4 (MANE Select); coding-DNA position 2339, G replaced by A.
Protein change: p.Arg780Gln; replaces arginine 780 with glutamine.
Molecular consequence: missense variant.
Genome position (GRCh38, 1-based): chr1:156,881,590, G>A. VCF-style: chr1-156881590-G-A. GRCh37 (hg19) VCF-style: chr1-156851382-G-A.
Other names: p.Arg774Gln; c.2231G>A, p.Arg744Gln (NM_001007792.1); c.2321G>A, p.Arg774Gln (NM_001012331.2); short protein forms R744Q, R774Q, R780Q.
Identifiers: ClinVar variation 235534 (VCV000235534.67), dbSNP rs35669708, ClinGen allele CA1169637.

ClinVar aggregate classification (germline): Conflicting classifications of pathogenicity. Review status: criteria provided, conflicting classifications (1 of 4 stars). 14 submissions from 14 submitters: Uncertain significance (1); Benign (8); Likely benign (4). 1 of the submissions does not count toward it. Last evaluated 2026-09-01.

Conditions:
NTRK1-related disorder. Also called: NTRK1-related condition.
Hereditary insensitivity to pain with anhidrosis (CIPA). Also called: NTRK1 Congenital Insensitivity to Pain with Anhidrosis; hereditary sensory and autonomic neuropathy type 4; INSENSITIVITY TO PAIN, CONGENITAL, WITH ANHIDROSIS; NEUROPATHY, CONGENITAL SENSORY, WITH ANHIDROSIS; FAMILIAL DYSAUTONOMIA, TYPE II; HSAN Type IV. Identifiers: Orphanet 642, MedGen C0020074, MONDO:0009746, OMIM 256800.

Allele frequency attached by ClinVar (database versions not stated): 1000 Genomes Project 30x 0.00344; 1000 Genomes Project 0.00379; TOPMed 0.00383; gnomAD 0.00406 and 0.00433.
gnomAD v4.1: 9,172 of 1,611,386 alleles (0.57%); highest among the groups gnomAD compares: South Asian, 1.2%; 43 homozygotes.

Submissions (14):

CeGaT Center for Human Genetics Tuebingen
Classification: Benign. Last evaluated: 2026-09-01. Review status: criteria provided, single submitter. Criteria: CeGaT Center For Human Genetics Tuebingen Variant Classification Criteria Version 2. Collection method: clinical testing. Allele origin: germline. Affected: yes. Observed: 41 variant alleles.
Comment: NTRK1: PM5, BP4, BS1, BS2

Labcorp Genetics (formerly Invitae), Labcorp
Classification: Benign for Hereditary insensitivity to pain with anhidrosis. Last evaluated: 2026-02-04. Review status: criteria provided, single submitter. Criteria: Invitae Variant Classification Sherloc (09022015). Collection method: clinical testing. Allele origin: germline.

ARUP Laboratories, Molecular Genetics and Genomics, ARUP Laboratories
Classification: Benign for Hereditary insensitivity to pain with anhidrosis. Last evaluated: 2025-07-09. Review status: criteria provided, single submitter. Criteria: ARUP Molecular Germline Variant Investigation Process 2024. Collection method: clinical testing. Allele origin: germline.

PreventionGenetics, part of Exact Sciences
Classification: Benign for NTRK1-related condition. Last evaluated: 2025-06-23. Review status: criteria provided, single submitter. Criteria: ACMG Guidelines, 2015. Collection method: clinical testing. Allele origin: germline.
Comment: This variant is classified as benign based on ACMG/AMP sequence variant interpretation guidelines (Richards et al. 2015 PMID: 25741868, with internal and published modifications).

Blueprint Genetics
Classification: Likely benign. Last evaluated: 2024-11-25. Review status: criteria provided, single submitter. Criteria: ACMG Guidelines, 2015. Collection method: clinical testing. Allele origin: germline.

Athena Diagnostics
Classification: Benign. Last evaluated: 2024-05-23. Review status: criteria provided, single submitter. Criteria: Athena Diagnostics Criteria. Collection method: clinical testing. Allele origin: unknown.

KCCC/NGS Laboratory, Kuwait Cancer Control Center
Classification: Benign for Hereditary insensitivity to pain with anhidrosis. Last evaluated: 2023-07-07. Review status: criteria provided, single submitter. Criteria: ACMG Guidelines, 2015. Collection method: clinical testing. Allele origin: germline. Affected: yes.

Mayo Clinic Laboratories, Mayo Clinic
Classification: Benign. Last evaluated: 2022-05-12. Review status: criteria provided, single submitter. Criteria: ACMG Guidelines, 2015. Collection method: clinical testing. Allele origin: germline. Observed: 15 variant alleles.

Women's Health and Genetics/Laboratory Corporation of America, LabCorp
Classification: Likely benign. Last evaluated: 2021-12-10. Review status: criteria provided, single submitter. Criteria: LabCorp Variant Classification Summary - May 2015. Collection method: clinical testing. Allele origin: germline.

Pars Genome Lab
Classification: Likely benign for Hereditary insensitivity to pain with anhidrosis. Last evaluated: 2021-05-18. Review status: criteria provided, single submitter. Criteria: ACMG Guidelines, 2015. Collection method: clinical testing. Allele origin: germline. Affected: no.

GeneDx
Classification: Benign. Last evaluated: 2017-09-18. Review status: criteria provided, single submitter. Criteria: GeneDx Variant Classification (06012015). Collection method: clinical testing. Allele origin: germline. Affected: yes.
Comment: This variant is considered likely benign or benign based on one or more of the following criteria: it is a conservative change, it occurs at a poorly conserved position in the protein, it is predicted to be benign by multiple in silico algorithms, and/or has population frequency not consistent with disease.

Illumina Laboratory Services, Illumina
Classification: Uncertain significance for Hereditary insensitivity to pain with anhidrosis. Last evaluated: 2017-04-27. Review status: criteria provided, single submitter. Criteria: ICSL Variant Classification Criteria 13 December 2019. Collection method: clinical testing. Allele origin: germline.
Comment: This variant was observed as part of a predisposition screen in an ostensibly healthy population. A literature search was performed for the gene, cDNA change, and amino acid change (where applicable). Publications were found based on this search. However, the evidence from the literature, in combination with allele frequency data from public databases where available, was not sufficient to rule this variant in or out of causing disease. Therefore, this variant is classified as a variant of unknown significance.

Center for Pediatric Genomic Medicine, Children's Mercy Hospital and Clinics
Classification: Likely benign. Last evaluated: 2016-01-07. Review status: criteria provided, single submitter. Criteria: ACMG Guidelines, 2015. Collection method: clinical testing. Allele origin: germline.
ClinVar note: Converted during submission from Likely Benign to Likely benign.

Counsyl
Classification: Likely benign for Hereditary insensitivity to pain with anhidrosis. Last evaluated: 2017-03-06. Review status: no assertion criteria provided. Collection method: clinical testing. Allele origin: unknown. Not counted in ClinVar's aggregate classification.

Literature cited by the submitters: PubMed 18056464 (cited by Athena Diagnostics); PubMed 34193129 (cited by Athena Diagnostics); PubMed 32707200 (cited by Athena Diagnostics); PubMed 10090906 (cited by Illumina Laboratory Services, Illumina).